The following is an entry in ClinVar:

NM_024652.6(LRRK1):c.3006C>T (p.Asp1002=)

Genes: LRRK1 (leucine rich repeat kinase 1; plus strand), LRRK1-AS1 (LRRK1 antisense RNA 1; minus strand). Cytogenetic location: 15q26.3.
Variant type: single nucleotide variant.
Coding change: c.3006C>T on transcript NM_024652.6 (MANE Select); coding-DNA position 3006, C replaced by T.
Protein change: p.Asp1002=; no amino-acid change (aspartic acid 1002 retained).
Molecular consequence: synonymous variant.
Genome position (GRCh38, 1-based): chr15:101,046,023, C>T. VCF-style: chr15-101046023-C-T. GRCh37 (hg19) VCF-style: chr15-101586228-C-T.
Other names: c.3006C>T (NM_024652.5).
Identifiers: ClinVar variation 1620683 (VCV001620683.11), dbSNP rs374354572, ClinGen allele CA7761411.

ClinVar aggregate classification (germline): Benign/Likely benign. Review status: criteria provided, multiple submitters, no conflicts (2 of 4 stars). 3 submissions from 3 submitters: Benign (1); Likely benign (1). 1 of the submissions does not count toward it. Last evaluated 2025-12-20.

Conditions:
LRRK1-related disorder. Also called: LRRK1-related condition.

Allele frequency attached by ClinVar (database versions not stated): gnomAD exomes 0.00017 and 0.00045; ExAC 0.00051; 1000 Genomes Project 0.00060; 1000 Genomes Project 30x 0.00062; gnomAD 0.00190 and 0.00215; TOPMed 0.00215; ESP Exome Variant Server 0.00273.
gnomAD v4.1: 557 of 1,614,190 alleles (0.035%); highest among the groups gnomAD compares: African/African-American, 0.64%; 1 homozygote.

Submissions (3):

Labcorp Genetics (formerly Invitae), Labcorp
Classification: Benign. Last evaluated: 2025-12-20. Review status: criteria provided, single submitter. Criteria: Invitae Variant Classification Sherloc (09022015). Collection method: clinical testing. Allele origin: germline.

Blueprint Genetics
Classification: Likely benign. Last evaluated: 2024-08-06. Review status: criteria provided, single submitter. Criteria: ACMG Guidelines, 2015. Collection method: clinical testing. Allele origin: germline.

PreventionGenetics, part of Exact Sciences
Classification: Likely benign for LRRK1-related condition. Last evaluated: 2019-08-20. Review status: no assertion criteria provided. Collection method: clinical testing. Allele origin: germline. Not counted in ClinVar's aggregate classification.
Comment: This variant is classified as likely benign based on ACMG/AMP sequence variant interpretation guidelines (Richards et al. 2015 PMID: 25741868, with internal and published modifications).